The following is an entry in ClinVar:

ClinVar aggregate classification (germline): Uncertain significance (1 of 4 stars; one submission).

Conditions:
LMBRD2-related disorder.

Allele frequency attached by ClinVar (database versions not stated): ExAC 0.00001; gnomAD 0.00001; TOPMed 0.00001; 1000 Genomes Project 0.00020; 1000 Genomes Project 30x 0.00031.
gnomAD v4.1: 10 of 1,612,820 alleles (0.00062%); highest among the groups gnomAD compares: African/African-American, 0.0013%; no homozygotes.

Submission:

PreventionGenetics, part of Exact Sciences
Classification: Uncertain significance for LMBRD2-related condition. Last evaluated: 2025-12-02. Review status: criteria provided, single submitter. Criteria: ACMG Guidelines, 2015. Collection method: clinical testing. Allele origin: germline.
Comment: The LMBRD2 c.1946T>C variant is predicted to result in the amino acid substitution p.Ile649Thr. To our knowledge, this variant has not been reported in the literature. This variant is reported in 0.0062% of alleles in individuals of African descent in gnomAD. At this time, the clinical significance of this variant is uncertain due to the absence of conclusive functional and genetic evidence.

NM_001007527.2(LMBRD2):c.1946T>C (p.Ile649Thr)

Gene: LMBRD2 (LMBR1 domain containing 2; minus strand). Cytogenetic location: 5p13.2.
Variant type: single nucleotide variant.
Coding change: c.1946T>C on transcript NM_001007527.2 (MANE Select); coding-DNA position 1946, T replaced by C.
Protein change: p.Ile649Thr; replaces isoleucine 649 with threonine.
Molecular consequence: missense variant.
Genome position (GRCh38, 1-based): chr5:36,105,149, A>G on the plus strand (T>C on the coding strand, the complement: LMBRD2 is on the minus strand). VCF-style: chr5-36105149-A-G. GRCh37 (hg19) VCF-style: chr5-36105251-A-G.
Other names: short protein forms I649T.
Identifiers: ClinVar variation 2631686 (VCV002631686.2), dbSNP rs570391000, ClinGen allele CA3233485.
Genomic context (GRCh38, chr5:36,105,149, plus strand): 5'-GGATCATCAGTGAATGTTTCTGCATTAAAATCCAAAGGTTCTGCATCTTGGAGAAGTTCT[A>G]TCCGGTCCCTTTCAGTCCTGTTATTAGCCCTGGTATATTTGAATGCAGCTGCAAAGGAAG-3'
Protein context (NP_001007528.1, residues 639-659): RANNRTERDR[Ile649Thr]ELLQDAEPLD